The following is an entry in ClinVar:

ClinVar aggregate classification (germline): Uncertain significance (1 of 4 stars; one submission).

Conditions:
Nephronophthisis 18 (NPHP18). Identifiers: Orphanet 655, MedGen C3890591, MONDO:0014374, OMIM 615862.

Allele frequency attached by ClinVar (database versions not stated): gnomAD exomes below 0.00001; TOPMed below 0.00001; gnomAD 0.00001.
gnomAD v4.1: 7 of 1,613,994 alleles (0.00043%); highest among the groups gnomAD compares: Admixed American, 0.0017%; no homozygotes.

Submission:

Labcorp Genetics (formerly Invitae), Labcorp
Classification: Uncertain significance for Nephronophthisis 18. Last evaluated: 2022-03-10. Review status: criteria provided, single submitter. Criteria: Invitae Variant Classification Sherloc (09022015). Collection method: clinical testing. Allele origin: germline.
Comment: This sequence change replaces glutamine, which is neutral and polar, with arginine, which is basic and polar, at codon 244 of the CEP83 protein (p.Gln244Arg). This variant is present in population databases (no rsID available, gnomAD 0.007%). This variant has not been reported in the literature in individuals affected with CEP83-related conditions. ClinVar contains an entry for this variant (Variation ID: 1024294). Algorithms developed to predict the effect of missense changes on protein structure and function output the following: SIFT: "Not Available"; PolyPhen-2: "Benign"; Align-GVGD: "Not Available". The arginine amino acid residue is found in multiple mammalian species, which suggests that this missense change does not adversely affect protein function. In summary, the available evidence is currently insufficient to determine the role of this variant in disease. Therefore, it has been classified as a Variant of Uncertain Significance.

NM_016122.3(CEP83):c.731A>G (p.Gln244Arg)

Gene: CEP83 (centrosomal protein 83; minus strand). Cytogenetic location: 12q22.
Variant type: single nucleotide variant.
Coding change: c.731A>G on transcript NM_016122.3 (MANE Select); coding-DNA position 731, A replaced by G.
Protein change: p.Gln244Arg; replaces glutamine 244 with arginine.
Molecular consequence: missense variant. On other transcripts: non-coding transcript variant (3).
Genome position (GRCh38, 1-based): chr12:94,378,861, T>C on the plus strand (A>G on the coding strand, the complement: CEP83 is on the minus strand). VCF-style: chr12-94378861-T-C. GRCh37 (hg19) VCF-style: chr12-94772637-T-C.
Other names: c.731A>G, p.Gln244Arg (NM_001042399.2, NM_001346457.2, NM_001346460.2 and 3 more transcripts); c.419A>G, p.Gln140Arg (NM_001346458.2, NM_001346459.2, NM_001346462.2 and 2 more transcripts); c.506A>G, p.Gln169Arg (NM_001368041.1); c.194A>G, p.Gln65Arg (NM_001368042.1); short protein forms Q140R, Q169R, Q244R, Q65R.
Identifiers: ClinVar variation 1024294 (VCV001024294.8), dbSNP rs1340583178, ClinGen allele CA386146738.